The following is an entry in ClinVar:

ClinVar aggregate classification (germline): Conflicting classifications of pathogenicity. Review status: criteria provided, conflicting classifications (1 of 4 stars). 3 submissions from 3 submitters: Uncertain significance (2); Likely benign (1). Last evaluated 2024-06-09.

Conditions:
Hereditary cancer-predisposing syndrome. Also called: Hereditary neoplastic syndrome; Hereditary Cancer Syndrome; Tumor predisposition; Neoplastic Syndromes, Hereditary. Identifiers: Orphanet 140162, MedGen C0027672, MeSH D009386, MONDO:0015356.
Hereditary breast ovarian cancer syndrome. Also called: BRCA1- and BRCA2-Associated Hereditary Breast and Ovarian Cancer; Hereditary breast and ovarian cancer syndrome (HBOC); Hereditary breast and/or ovarian cancer syndrome; Hereditary breast and ovarian cancer; Breast and ovarian cancer; Hereditary breast and ovarian cancer syndrome. Identifiers: Orphanet 145, MedGen C0677776, MeSH D061325, MONDO:0003582. Disease mechanism: loss of function.
BRCA2-related cancer predisposition. Identifiers: MedGen CN377758, MONDO:0700269.

Submissions (3):

All of Us Research Program, National Institutes of Health
Classification: Uncertain significance for BRCA2-related cancer predisposition. Last evaluated: 2024-06-09. Review status: criteria provided, single submitter. Criteria: ACMG Guidelines, 2015. Collection method: clinical testing. Allele origin: germline. Inheritance: Autosomal dominant inheritance. Observed: 1 variant allele, 1 heterozygote.
Comment: This missense variant replaces tyrosine with cysteine at codon 1751 of the BRCA2 protein. Computational prediction suggests that this variant may not impact protein structure and function. To our knowledge, functional studies have not been reported for this variant. This variant has been reported in an individual affected with breast cancer (PMID: 33471991; Leiden Open Variation Database DB-ID BRCA2_008319). This variant has not been identified in the general population by the Genome Aggregation Database (gnomAD). The available evidence is insufficient to determine the role of this variant in disease conclusively. Therefore, this variant is classified as a Variant of Uncertain Significance.

This study involves interpretation of variants in research participants for the purpose of population health screening. Participant phenotype was not available at the time of variant classification. Additional details can be found in publication PMID: 35346344, PMCID: PMC8962531

University of Washington Department of Laboratory Medicine, University of Washington
Classification: Likely benign for Hereditary cancer-predisposing syndrome. Last evaluated: 2023-03-23. Review status: criteria provided, single submitter. Criteria: Dines et al. (Genet Med. 2020). Collection method: curation. Allele origin: germline.
Comment: Missense variant in a coldspot region where missense variants are very unlikely to be pathogenic (PMID:31911673).

BRCA2 exon 11 coldspot. Reclassification based on statistical prior probability.

Labcorp Genetics (formerly Invitae), Labcorp
Classification: Uncertain significance for Hereditary breast ovarian cancer syndrome. Last evaluated: 2022-06-07. Review status: criteria provided, single submitter. Criteria: Invitae Variant Classification Sherloc (09022015). Collection method: clinical testing. Allele origin: germline.
Comment: This sequence change replaces tyrosine, which is neutral and polar, with cysteine, which is neutral and slightly polar, at codon 1751 of the BRCA2 protein (p.Tyr1751Cys). This variant is not present in population databases (gnomAD no frequency). This variant has not been reported in the literature in individuals affected with BRCA2-related conditions. Advanced modeling of protein sequence and biophysical properties (such as structural, functional, and spatial information, amino acid conservation, physicochemical variation, residue mobility, and thermodynamic stability) performed at Invitae indicates that this missense variant is not expected to disrupt BRCA2 protein function. In summary, the available evidence is currently insufficient to determine the role of this variant in disease. Therefore, it has been classified as a Variant of Uncertain Significance.

Literature cited by the submitters: PubMed 33471991 (cited by All of Us Research Program, National Institutes of Health).

NM_000059.4(BRCA2):c.5252A>G (p.Tyr1751Cys)

Gene: BRCA2 (BRCA2 DNA repair associated; plus strand). Cytogenetic location: 13q13.1.
Variant type: single nucleotide variant.
Coding change: c.5252A>G on transcript NM_000059.4 (MANE Select); coding-DNA position 5252, A replaced by G.
Protein change: p.Tyr1751Cys; replaces tyrosine 1751 with cysteine.
Molecular consequence: missense variant.
Genome position (GRCh38, 1-based): chr13:32,339,607, A>G. VCF-style: chr13-32339607-A-G. GRCh37 (hg19) VCF-style: chr13-32913744-A-G.
Other names: c.5252A>G, p.Tyr1751Cys (NM_001406719.1, NM_001406720.1); short protein forms Y1751C.
Identifiers: ClinVar variation 2003138 (VCV002003138.7), dbSNP rs1341974678, ClinGen allele CA387784706.